The following is an entry in ClinVar:

NM_000171.4(GLRA1):c.94G>A (p.Ala32Thr)

Gene: GLRA1 (glycine receptor alpha 1; minus strand). Cytogenetic location: 5q33.1.
Variant type: single nucleotide variant.
Coding change: c.94G>A on transcript NM_000171.4 (MANE Select); coding-DNA position 94, G replaced by A.
Protein change: p.Ala32Thr; replaces alanine 32 with threonine.
Molecular consequence: missense variant. On other transcripts: intron variant (1).
Genome position (GRCh38, 1-based): chr5:151,892,401, C>T on the plus strand (G>A on the coding strand, the complement: GLRA1 is on the minus strand). VCF-style: chr5-151892401-C-T. GRCh37 (hg19) VCF-style: chr5-151271962-C-T.
Other names: c.94G>A, p.Ala32Thr (NM_001146040.2); c.-65-5613G>A (NM_001292000.2); short protein forms A32T.
Identifiers: ClinVar variation 352322 (VCV000352322.18), dbSNP rs779993828, ClinGen allele CA3523775.

ClinVar aggregate classification (germline): Conflicting classifications of pathogenicity. Review status: criteria provided, conflicting classifications (1 of 4 stars). 4 submissions from 4 submitters: Uncertain significance (2); Benign (1); Likely benign (1). Last evaluated 2025-05-19.

Conditions:
Hyperekplexia 1 (STHE). Also called: HYPEREKPLEXIA 1, AUTOSOMAL DOMINANT; HYPEREKPLEXIA 1, AUTOSOMAL RECESSIVE; EXAGGERATED STARTLE REACTION; KOK DISEASE; STARTLE DISEASE, FAMILIAL; STIFF-BABY SYNDROME. Identifiers: Orphanet 3197, MedGen C4551954, MONDO:0007868, OMIM 149400.
Hereditary hyperekplexia. Identifiers: Orphanet 3197, MedGen C4084968, MONDO:0021022.
Inborn genetic diseases. Identifiers: MedGen C0950123, MeSH D030342.

Allele frequency attached by ClinVar (database versions not stated): gnomAD 0.00003; TOPMed 0.00003; gnomAD exomes 0.00005; ExAC 0.00008.

Submissions (4):

Ambry Genetics
Classification: Uncertain significance for Inborn genetic diseases. Last evaluated: 2025-05-19. Review status: criteria provided, single submitter. Criteria: Ambry Variant Classification Scheme 2023. Collection method: clinical testing. Allele origin: germline.

Labcorp Genetics (formerly Invitae), Labcorp
Classification: Likely benign for Hereditary hyperekplexia. Last evaluated: 2025-03-19. Review status: criteria provided, single submitter. Criteria: Invitae Variant Classification Sherloc (09022015). Collection method: clinical testing. Allele origin: germline.

Centre for Mendelian Genomics, University Medical Centre Ljubljana
Classification: Uncertain significance for Hyperekplexia 1. Last evaluated: 2019-03-12. Review status: criteria provided, single submitter. Criteria: ACMG Guidelines, 2015. Collection method: clinical testing. Allele origin: unknown. Affected: yes.
Comment: This variant was classified as: Uncertain significance. The available evidence on this variant's pathogenicity is insufficient or conflicting. The following ACMG criteria were applied in classifying this variant: PP2.

Illumina Laboratory Services, Illumina
Classification: Benign for Hyperekplexia 1. Last evaluated: 2018-01-13. Review status: criteria provided, single submitter. Criteria: ICSL Variant Classification Criteria 13 December 2019. Collection method: clinical testing. Allele origin: germline.
Comment: This variant was observed in the ICSL laboratory as part of a predisposition screen in an ostensibly healthy population. It had not been previously curated by ICSL or reported in the Human Gene Mutation Database (HGMD: prior to June 1st, 2018), and was therefore a candidate for classification through an automated scoring system. Utilizing variant allele frequency, disease prevalence and penetrance estimates, and inheritance mode, an automated score was calculated to assess if this variant is too frequent to cause the disease. Based on the score and internal cut-off values, a variant classified as benign is not then subjected to further curation. The score for this variant resulted in a classification of benign for this disease.